The following is an entry in ClinVar:

ClinVar aggregate classification (germline): Likely pathogenic. Review status: criteria provided, multiple submitters, no conflicts (2 of 4 stars). 3 submissions from 3 submitters: Likely pathogenic (2). 1 of the submissions does not count toward it. Last evaluated 2024-09-04.

Conditions:
AKR1D1-related disorder. Also called: AKR1D1-related condition.

Allele frequency attached by ClinVar (database versions not stated): gnomAD exomes 0.00001; TOPMed 0.00001; ExAC 0.00002.
gnomAD v4.1: 12 of 1,613,544 alleles (0.00074%); highest among the groups gnomAD compares: Non-Finnish European, 0.001%; no homozygotes.

Submissions (3):

Blueprint Genetics
Classification: Likely pathogenic for AKR1D1-related disorders. Last evaluated: 2024-09-04. Review status: criteria provided, single submitter. Criteria: ACMG Guidelines, 2015. Collection method: clinical testing. Allele origin: germline. Affected: yes. Observed: 2 variant alleles.

Eurofins Ntd Llc (ga)
Classification: Likely pathogenic. Last evaluated: 2017-03-27. Review status: criteria provided, single submitter. Criteria: EGL Classification Definitions 2015. Collection method: clinical testing. Allele origin: germline. Observed: 1 variant allele, 1 homozygote.

PreventionGenetics, part of Exact Sciences
Classification: Likely pathogenic for AKR1D1-related condition. Last evaluated: 2023-12-27. Review status: no assertion criteria provided. Collection method: clinical testing. Allele origin: germline. Not counted in ClinVar's aggregate classification.
Comment: The AKR1D1 c.580-1G>A variant is predicted to disrupt the AG splice acceptor site and interfere with normal splicing. To our knowledge, this variant has not been reported in the literature. This variant is reported in 0.0026% of alleles in individuals of European (Non-Finnish) descent in gnomAD. An alternative splice variant predicted to impact the same splice site, described as c.580-13T>A, has been reported in a patient affected with an inborn error of bile acid synthesis (Chen et al. 2020. PubMed ID: 31337596). Variants that disrupt the consensus splice acceptor site in AKR1D1 are expected to be pathogenic. In summary, the c.580-1G>A variant is interpreted as likely pathogenic.

NM_005989.4(AKR1D1):c.580-1G>A

Gene: AKR1D1 (aldo-keto reductase family 1 member D1; plus strand). Cytogenetic location: 7q33.
Variant type: single nucleotide variant.
Coding change: c.580-1G>A on transcript NM_005989.4 (MANE Select); the canonical splice acceptor site of the intron before coding-DNA position 580, G replaced by A.
Molecular consequence: splice acceptor variant.
Genome position (GRCh38, 1-based): chr7:138,106,607, G>A. VCF-style: chr7-138106607-G-A. GRCh37 (hg19) VCF-style: chr7-137791353-G-A.
Other names: c.580-1G>A (NM_001190907.2, NM_005989.3); c.457-1G>A (NM_001190906.2).
Identifiers: ClinVar variation 501093 (VCV000501093.8), dbSNP rs749744865, ClinGen allele CA4502752.